The following is an entry in ClinVar:

NM_198578.4(LRRK2):c.2084G>C (p.Cys695Ser)

Gene: LRRK2 (leucine rich repeat kinase 2; plus strand). Cytogenetic location: 12q12.
Variant type: single nucleotide variant.
Coding change: c.2084G>C on transcript NM_198578.4 (MANE Select); coding-DNA position 2084, G replaced by C.
Protein change: p.Cys695Ser; replaces cysteine 695 with serine.
Molecular consequence: missense variant.
Genome position (GRCh38, 1-based): chr12:40,278,104, G>C. VCF-style: chr12-40278104-G-C. GRCh37 (hg19) VCF-style: chr12-40671906-G-C.
Other names: short protein forms C695S.
Identifiers: ClinVar variation 1785615 (VCV001785615.2), dbSNP rs1393655945, ClinGen allele CA384404944.

ClinVar aggregate classification (germline): Uncertain significance (1 of 4 stars; one submission).

Conditions:
Inborn genetic diseases. Identifiers: MedGen C0950123, MeSH D030342.

Allele frequency attached by ClinVar (database versions not stated): TOPMed below 0.00001; gnomAD exomes 0.00001.
gnomAD v4.1: 8 of 1,613,962 alleles (0.0005%); highest among the groups gnomAD compares: Non-Finnish European, 0.00068%; no homozygotes.

Submission:

Ambry Genetics
Classification: Uncertain significance for Inborn genetic diseases. Last evaluated: 2024-02-22. Review status: criteria provided, single submitter. Criteria: Ambry Variant Classification Scheme 2023. Collection method: clinical testing. Allele origin: germline.
Comment: The p.C695S variant (also known as c.2084G>C), located in coding exon 18 of the LRRK2 gene, results from a G to C substitution at nucleotide position 2084. The cysteine at codon 695 is replaced by serine, an amino acid with dissimilar properties. This amino acid position is conserved. In addition, this alteration is predicted to be deleterious by in silico analysis. Since supporting evidence is limited at this time, the clinical significance of this alteration remains unclear.